The following is an entry in ClinVar:

ClinVar aggregate classification (germline): Uncertain significance (1 of 4 stars; one submission).

Conditions:
HGSNAT-related disorder. Also called: HGSNAT-related condition.

gnomAD v4.1: 1 of 1,612,132 alleles (0.000062%); highest among the groups gnomAD compares: Non-Finnish European, 0.000085%; no homozygotes.

Submission:

PreventionGenetics, part of Exact Sciences
Classification: Uncertain significance for HGSNAT-related condition. Last evaluated: 2025-05-12. Review status: criteria provided, single submitter. Criteria: ACMG Guidelines, 2015. Collection method: clinical testing. Allele origin: germline.
Comment: The HGSNAT c.779G>A variant is predicted to result in the amino acid substitution p.Gly260Glu. To our knowledge, this variant has not been reported in the literature or in a large population database (gnomAD), indicating this variant is rare. At this time, the clinical significance of this variant is uncertain due to the absence of conclusive functional and genetic evidence.

NM_152419.3(HGSNAT):c.779G>A (p.Gly260Glu)

Gene: HGSNAT (heparan-alpha-glucosaminide N-acetyltransferase; plus strand). Cytogenetic location: 8p11.21.
Variant type: single nucleotide variant.
Coding change: c.779G>A on transcript NM_152419.3 (MANE Select); coding-DNA position 779, G replaced by A.
Protein change: p.Gly260Glu; replaces glycine 260 with glutamic acid.
Molecular consequence: missense variant. On other transcripts: 5 prime UTR variant (1).
Genome position (GRCh38, 1-based): chr8:43,172,345, G>A. VCF-style: chr8-43172345-G-A. GRCh37 (hg19) VCF-style: chr8-43027488-G-A.
Other names: c.779G>A, p.Gly260Glu (NM_001363227.2, NM_001363228.2); c.-55G>A (NM_001363229.2); short protein forms G260E.
Identifiers: ClinVar variation 4983139 (VCV004983139.1).
Genomic context (GRCh38, chr8:43,172,345, plus strand): 5'-GCTTCTCTTTGTTGGCTTCTTCTAGGATTGCTCTTATACTCATGGTCTTTGTCAATTATG[G>A]AGGAGGAAAATATTGGTACTTCAAACATGCAAGTTGGAATGGTAAGATATTTCCTAAAAG-3'
Protein context (NP_689632.2, residues 250-270): ALILMVFVNY[Gly260Glu]GGKYWYFKHA